The following is an entry in ClinVar:

NM_006904.7(PRKDC):c.5899T>G (p.Phe1967Val)

Gene: PRKDC (protein kinase, DNA-activated, catalytic subunit; minus strand). Cytogenetic location: 8q11.21.
Variant type: single nucleotide variant.
Coding change: c.5899T>G on transcript NM_006904.7 (MANE Select); coding-DNA position 5899, T replaced by G.
Protein change: p.Phe1967Val; replaces phenylalanine 1967 with valine.
Molecular consequence: missense variant.
Genome position (GRCh38, 1-based): chr8:47,862,393, A>C on the plus strand (T>G on the coding strand, the complement: PRKDC is on the minus strand). VCF-style: chr8-47862393-A-C. GRCh37 (hg19) VCF-style: chr8-48774954-A-C.
Other names: c.5899T>G, p.Phe1967Val (NM_001081640.2); short protein forms F1967V.
Identifiers: ClinVar variation 3310172 (VCV003310172.1).

ClinVar aggregate classification (germline): Uncertain significance (1 of 4 stars; one submission).

Submission:

Ambry Genetics
Classification: Uncertain significance. Last evaluated: 2024-06-05. Review status: criteria provided, single submitter. Criteria: Ambry Variant Classification Scheme 2023. Collection method: clinical testing. Allele origin: germline.
Comment: The p.F1967V variant (also known as c.5899T>G), located in coding exon 43 of the PRKDC gene, results from a T to G substitution at nucleotide position 5899. The phenylalanine at codon 1967 is replaced by valine, an amino acid with highly similar properties. This amino acid position is conserved. In addition, this alteration is predicted to be deleterious by in silico analysis. Based on the available evidence, the clinical significance of this variant remains unclear.